The following is an entry in ClinVar:

ClinVar aggregate classification (germline): Likely benign (0 of 4 stars; one submission).

Conditions:
VPS13B-related disorder. Also called: VPS13B-related condition.

gnomAD v4.1: 2 of 1,613,852 alleles (0.00012%); highest among the groups gnomAD compares: Non-Finnish European, 0.00017%; no homozygotes.

Submission:

PreventionGenetics, part of Exact Sciences
Classification: Likely benign for VPS13B-related condition. Last evaluated: 2023-04-13. Review status: no assertion criteria provided. Collection method: clinical testing. Allele origin: germline.
Comment: This variant is classified as likely benign based on ACMG/AMP sequence variant interpretation guidelines (Richards et al. 2015 PMID: 25741868, with internal and published modifications).

NM_152564.5(VPS13B):c.10050C>T (p.Thr3350=)

Gene: VPS13B (vacuolar protein sorting 13 homolog B; plus strand). Cytogenetic location: 8q22.2.
Variant type: single nucleotide variant.
Coding change: c.10050C>T on transcript NM_152564.5 (MANE Select); coding-DNA position 10050, C replaced by T.
Protein change: p.Thr3350=; no amino-acid change (threonine 3350 retained).
Molecular consequence: synonymous variant.
Genome position (GRCh38, 1-based): chr8:99,848,883, C>T. VCF-style: chr8-99848883-C-T. GRCh37 (hg19) VCF-style: chr8-100861111-C-T.
Other names: c.10125C>T, p.Thr3375= (NM_017890.5).
Identifiers: ClinVar variation 3356398 (VCV003356398.1).